The following is an entry in ClinVar:

ClinVar aggregate classification (germline): Uncertain significance (1 of 4 stars; one submission).

Conditions:
Ataxia-telangiectasia syndrome (AT). Also called: LOUIS-BAR SYNDROME; Cerebello-oculocutaneous telangiectasia; Immunodeficiency with ataxia telangiectasia; Ataxia telangiectasia (A-T); Ataxia-telangiectasia, complementation group D; AT, COMPLEMENTATION GROUP C. Identifiers: Orphanet 100, MedGen C0004135, MONDO:0008840, OMIM 208900.

Submission:

Labcorp Genetics (formerly Invitae), Labcorp
Classification: Uncertain significance for Ataxia-telangiectasia syndrome. Last evaluated: 2025-12-24. Review status: criteria provided, single submitter. Criteria: Invitae Variant Classification Sherloc (09022015). Collection method: clinical testing. Allele origin: germline.
Comment: This sequence change replaces cysteine, which is neutral and slightly polar, with phenylalanine, which is neutral and non-polar, at codon 2801 of the ATM protein (p.Cys2801Phe). This variant is not present in population databases (gnomAD no frequency). This variant has not been reported in the literature in individuals affected with ATM-related conditions. ClinVar contains an entry for this variant (Variation ID: 1467529). Invitae Evidence Modeling of protein sequence and biophysical properties (such as structural, functional, and spatial information, amino acid conservation, physicochemical variation, residue mobility, and thermodynamic stability) indicates that this missense variant is expected to disrupt ATM protein function with a positive predictive value of 95%. In summary, the available evidence is currently insufficient to determine the role of this variant in disease. Therefore, it has been classified as a Variant of Uncertain Significance.

NM_000051.4(ATM):c.8402G>T (p.Cys2801Phe)

Genes: ATM (ATM serine/threonine kinase; plus strand), C11orf65 (chromosome 11 open reading frame 65; minus strand). Cytogenetic location: 11q22.3.
Variant type: single nucleotide variant.
Coding change: c.8402G>T on transcript NM_000051.4 (MANE Select); coding-DNA position 8402, G replaced by T.
Protein change: p.Cys2801Phe; replaces cysteine 2801 with phenylalanine.
Molecular consequence: missense variant. On other transcripts: intron variant (2).
Genome position (GRCh38, 1-based): chr11:108,343,355, G>T. VCF-style: chr11-108343355-G-T. GRCh37 (hg19) VCF-style: chr11-108214082-G-T.
Other names: c.8402G>T, p.Cys2801Phe (NM_001351834.2); c.641-34284C>A (NM_001330368.2); c.695-8063C>A (NM_001351110.2); short protein forms C2801F.
Identifiers: ClinVar variation 1467529 (VCV001467529.7), dbSNP rs2136952675, ClinGen allele CA382516725.